The following is an entry in ClinVar:

ClinVar aggregate classification (germline): Uncertain significance. Review status: criteria provided, single submitter (1 of 4 stars). 2 submissions from 2 submitters: Uncertain significance (1). 1 of the submissions does not count toward it. Last evaluated 2022-07-11.

Conditions:
Fanconi anemia complementation group D2. Also called: FANCD2-Related Fanconi Anemia; FANCONI PANCYTOPENIA, TYPE 4; FANCONI ANEMIA, COMPLEMENTATION GROUP D. Identifiers: Orphanet 84, MedGen C3160738, MONDO:0009214, OMIM 227646.

Submissions (2):

Blueprint Genetics
Classification: Uncertain significance. Last evaluated: 2022-07-11. Review status: criteria provided, single submitter. Criteria: ACMG Guidelines, 2015. Collection method: clinical testing. Allele origin: germline.

Leiden Open Variation Database
Classification: Pathogenic for Fanconi anemia complementation group D2. Last evaluated: 2020-02-28. Review status: no assertion criteria provided. Collection method: curation. Allele origin: germline. Affected: yes. Not counted in ClinVar's aggregate classification.
Comment: Curator: Arleen D. Auerbach. Submitter to LOVD: Arleen D. Auerbach.

Literature cited by the submitters: PubMed 17436244 (cited by Leiden Open Variation Database).

NM_001018115.3(FANCD2):c.1321_1322del (p.Ser441fs)

Genes: FANCD2 (FA complementation group D2; plus strand), LOC107303338 (3p25 FANCD2 Alu-mediated recombination region; plus strand). Cytogenetic location: 3p25.3.
Variant type: Microsatellite.
Coding change: c.1321_1322del on transcript NM_001018115.3 (MANE Select); coding-DNA positions 1321 to 1322, 2 bases deleted (AG; older notation c.1321_1322delAG).
Protein change: p.Ser441fs; shifts the reading frame from serine 441.
Molecular consequence: frameshift variant.
Genome position (GRCh38, 1-based): chr3:10,047,959-10,047,960, AG deleted; deleting any 2 consecutive bases within chr3:10,047,957-10,047,960 gives the same sequence; the c. name uses the placement nearest the transcript's 3' end. VCF-style (leftmost placement, unchanged base first): chr3-10047956-CAG-C. GRCh37 (hg19) VCF-style: chr3-10089640-CAG-C.
Other names: c.1321_1322del, p.Ser441fs (NM_001319984.2, NM_001374253.1, NM_001374254.1 and 1 more transcripts); short protein forms S441fs.
Identifiers: ClinVar variation 929654 (VCV000929654.4), dbSNP rs2087073639, ClinGen allele CA1345030577.